The following is an entry in ClinVar:

NM_002047.4(GARS1):c.11C>G (p.Pro4Arg)

Gene: GARS1 (glycyl-tRNA synthetase 1; plus strand). Cytogenetic location: 7p14.3.
Variant type: single nucleotide variant.
Coding change: c.11C>G on transcript NM_002047.4 (MANE Select); coding-DNA position 11, C replaced by G.
Protein change: p.Pro4Arg; replaces proline 4 with arginine.
Molecular consequence: missense variant. On other transcripts: 5 prime UTR variant (1).
Genome position (GRCh38, 1-based): chr7:30,594,932, C>G. VCF-style: chr7-30594932-C-G. GRCh37 (hg19) VCF-style: chr7-30634548-C-G.
Other names: c.-152C>G (NM_001316772.1); short protein forms P4R.
Identifiers: ClinVar variation 1899357 (VCV001899357.5), dbSNP rs62636572, ClinGen allele CA367138388.

ClinVar aggregate classification (germline): Uncertain significance (1 of 4 stars; one submission).

Conditions:
Charcot-Marie-Tooth disease type 2. Also called: Charcot-Marie-Tooth type 2. Identifiers: Orphanet 64746, MedGen C0270914, MONDO:0018993.

gnomAD v4.1: 1 of 1,591,140 alleles (0.000063%); highest among the groups gnomAD compares: Non-Finnish European, 0.000085%; no homozygotes.

Submission:

Labcorp Genetics (formerly Invitae), Labcorp
Classification: Uncertain significance for Charcot-Marie-Tooth disease type 2. Last evaluated: 2022-08-02. Review status: criteria provided, single submitter. Criteria: Invitae Variant Classification Sherloc (09022015). Collection method: clinical testing. Allele origin: germline.
Comment: In summary, the available evidence is currently insufficient to determine the role of this variant in disease. Therefore, it has been classified as a Variant of Uncertain Significance. Algorithms developed to predict the effect of missense changes on protein structure and function are either unavailable or do not agree on the potential impact of this missense change (SIFT: "Tolerated"; PolyPhen-2: "Not Available"; Align-GVGD: "Class C0"). This sequence change replaces proline, which is neutral and non-polar, with arginine, which is basic and polar, at codon 4 of the GARS protein (p.Pro4Arg). This variant is not present in population databases (gnomAD no frequency). This variant has not been reported in the literature in individuals affected with GARS-related conditions.